The following is an entry in ClinVar:

NM_000350.3(ABCA4):c.2099G>A (p.Trp700Ter)

Gene: ABCA4 (ATP binding cassette subfamily A member 4; minus strand). Cytogenetic location: 1p22.1.
Variant type: single nucleotide variant.
Coding change: c.2099G>A on transcript NM_000350.3 (MANE Select); coding-DNA position 2099, G replaced by A.
Protein change: p.Trp700Ter; replaces tryptophan 700 with a stop codon.
Molecular consequence: nonsense.
Genome position (GRCh38, 1-based): chr1:94,060,598, C>T on the plus strand (G>A on the coding strand, the complement: ABCA4 is on the minus strand). VCF-style: chr1-94060598-C-T. GRCh37 (hg19) VCF-style: chr1-94526154-C-T.
Other names: c.2099G>A, p.Trp700Ter (NM_001425324.1); short protein forms W700*.
Identifiers: ClinVar variation 99117 (VCV000099117.9), dbSNP rs61749425, ClinGen allele CA226978.

ClinVar aggregate classification (germline): Pathogenic. Review status: criteria provided, multiple submitters, no conflicts (2 of 4 stars). 3 submissions from 3 submitters: Pathogenic (2). 1 of the submissions does not count toward it. Last evaluated 2025-04-17.

Conditions:
ABCA4-related disorder. Also called: ABCA4-related disorders; ABCA4-related condition. Identifiers: MedGen CN239167.

Allele frequency attached by ClinVar (database versions not stated): gnomAD exomes below 0.00001.
gnomAD v4.1: 6 of 1,614,158 alleles (0.00037%); highest among the groups gnomAD compares: African/African-American, 0.0013%; no homozygotes.

Submissions (3):

Labcorp Genetics (formerly Invitae), Labcorp
Classification: Pathogenic. Last evaluated: 2025-04-17. Review status: criteria provided, single submitter. Criteria: Invitae Variant Classification Sherloc (09022015). Collection method: clinical testing. Allele origin: germline.
Comment: This sequence change creates a premature translational stop signal (p.Trp700*) in the ABCA4 gene. It is expected to result in an absent or disrupted protein product. Loss-of-function variants in ABCA4 are known to be pathogenic (PMID: 10958761, 24938718, 25312043, 26780318). This variant is present in population databases (rs61749425, gnomAD 0.0009%). This premature translational stop signal has been observed in individual(s) with Stargardt disease (PMID: 11702214). ClinVar contains an entry for this variant (Variation ID: 99117). For these reasons, this variant has been classified as Pathogenic.

Blueprint Genetics
Classification: Pathogenic for ABCA4-related disorders. Last evaluated: 2022-05-06. Review status: criteria provided, single submitter. Criteria: ACMG Guidelines, 2015. Collection method: clinical testing. Allele origin: germline. Affected: yes. Observed: 5 variant alleles.

Retina International
No classification provided. Review status: no classification provided. Collection method: not provided. Allele origin: not provided. Not counted in ClinVar's aggregate classification.

Literature cited by the submitters: PubMed 10958761 (cited by Labcorp Genetics (formerly Invitae), Labcorp); PubMed 24938718 (cited by Labcorp Genetics (formerly Invitae), Labcorp); PubMed 25312043 (cited by Labcorp Genetics (formerly Invitae), Labcorp); PubMed 26780318 (cited by Labcorp Genetics (formerly Invitae), Labcorp); PubMed 11702214 (cited by Labcorp Genetics (formerly Invitae), Labcorp).